The following is an entry in ClinVar:

ClinVar aggregate classification (germline): Uncertain significance. Review status: criteria provided, multiple submitters, no conflicts (2 of 4 stars). 4 submissions from 4 submitters: Uncertain significance (4). Last evaluated 2025-05-28.

Conditions:
Lynch syndrome. Identifiers: Orphanet 144, MedGen C4552100, MONDO:0005835. Disease mechanism: loss of function.
Hereditary cancer-predisposing syndrome. Also called: Tumor predisposition; Hereditary Cancer Syndrome; Neoplastic Syndromes, Hereditary; Hereditary neoplastic syndrome. Identifiers: Orphanet 140162, MedGen C0027672, MeSH D009386, MONDO:0015356.
Hereditary nonpolyposis colorectal neoplasms. Identifiers: MedGen C0009405, MeSH D003123.
Endometrial carcinoma. Also called: Endometrial carcinoma, somatic. Identifiers: MedGen C0476089, MONDO:0002447, OMIM 608089, HP:0012114.

Submissions (4):

Labcorp Genetics (formerly Invitae), Labcorp
Classification: Uncertain significance for Hereditary nonpolyposis colorectal neoplasms. Last evaluated: 2025-05-28. Review status: criteria provided, single submitter. Criteria: Invitae Variant Classification Sherloc (09022015). Collection method: clinical testing. Allele origin: germline.
Comment: This sequence change replaces leucine, which is neutral and non-polar, with phenylalanine, which is neutral and non-polar, at codon 637 of the MSH6 protein (p.Leu637Phe). This variant is not present in population databases (gnomAD no frequency). This variant has not been reported in the literature in individuals affected with MSH6-related conditions. ClinVar contains an entry for this variant (Variation ID: 840843). Invitae Evidence Modeling of protein sequence and biophysical properties (such as structural, functional, and spatial information, amino acid conservation, physicochemical variation, residue mobility, and thermodynamic stability) indicates that this missense variant is not expected to disrupt MSH6 protein function with a negative predictive value of 95%. In summary, the available evidence is currently insufficient to determine the role of this variant in disease. Therefore, it has been classified as a Variant of Uncertain Significance.

Hema, HEMA – Genetic and Molecular Diagnostic Laboratory
Classification: Uncertain significance for Lynch syndrome. Last evaluated: 2024-09-02. Review status: criteria provided, single submitter. Criteria: HEMA Variant Classification Assertion Criteria. Collection method: clinical testing. Allele origin: germline.
Comment: The c.1909C>T (p.Leu637Phe) variant is a transition from cytosine to thymine, resulting in the substitution of leucine 637 with phenylalanine. PM2_Supporting: Absent in gnomAD.

Baylor Genetics
Classification: Uncertain significance for Endometrial carcinoma. Last evaluated: 2023-11-20. Review status: criteria provided, single submitter. Criteria: ACMG Guidelines, 2015. Collection method: clinical testing. Allele origin: unknown.

Color Diagnostics, LLC DBA Color Health
Classification: Uncertain significance for Hereditary cancer-predisposing syndrome. Last evaluated: 2023-10-31. Review status: criteria provided, single submitter. Criteria: ACMG Guidelines, 2015. Collection method: clinical testing. Allele origin: germline.
Comment: This missense variant replaces leucine with phenylalanine at codon 637 of the MSH6 protein. Computational prediction is inconclusive regarding the impact of this variant on protein structure and function (internally defined REVEL score threshold 0.5 < inconclusive < 0.7, PMID: 27666373). To our knowledge, functional studies have not been reported for this variant. This variant has not been reported in individuals affected with MSH6-related disorders in the literature. This variant has not been identified in the general population by the Genome Aggregation Database (gnomAD). The available evidence is insufficient to determine the role of this variant in disease conclusively. Therefore, this variant is classified as a Variant of Uncertain Significance.

NM_000179.3(MSH6):c.1909C>T (p.Leu637Phe)

Gene: MSH6 (mutS homolog 6; plus strand). Cytogenetic location: 2p16.3.
Variant type: single nucleotide variant.
Coding change: c.1909C>T on transcript NM_000179.3 (MANE Select); coding-DNA position 1909, C replaced by T.
Protein change: p.Leu637Phe; replaces leucine 637 with phenylalanine.
Molecular consequence: missense variant.
Genome position (GRCh38, 1-based): chr2:47,799,892, C>T. VCF-style: chr2-47799892-C-T. GRCh37 (hg19) VCF-style: chr2-48027031-C-T.
Other names: c.1519C>T, p.Leu507Phe (NM_001281492.2); c.1003C>T, p.Leu335Phe (NM_001281493.2, NM_001281494.2); short protein forms L507F, L335F, L637F.
Identifiers: ClinVar variation 840843 (VCV000840843.14), dbSNP rs1669391709, ClinGen allele CA346750176.